The following is an entry in ClinVar:

NM_001135556.2(DYNC1I1):c.33A>G (p.Leu11=)

Gene: DYNC1I1 (dynein cytoplasmic 1 intermediate chain 1; plus strand). Cytogenetic location: 7q21.3.
Variant type: single nucleotide variant.
Coding change: c.33A>G on transcript NM_001135556.2 (MANE Select); coding-DNA position 33, A replaced by G.
Protein change: p.Leu11=; no amino-acid change (leucine 11 retained).
Molecular consequence: synonymous variant.
Genome position (GRCh38, 1-based): chr7:95,804,762, A>G. VCF-style: chr7-95804762-A-G. GRCh37 (hg19) VCF-style: chr7-95434074-A-G.
Other names: c.33A>G, p.Leu11= (NM_001135557.2, NM_001278421.2, NM_001278422.2 and 1 more transcripts); c.33A>G (NM_004411.4).
Identifiers: ClinVar variation 1613744 (VCV001613744.10), dbSNP rs147587226, ClinGen allele CA4352088.
Genomic context (GRCh38, chr7:95,804,762, plus strand): 5'-TTTTTTCTCTTTCTCCAAGGAAACCAACATGTCTGACAAAAGTGACTTAAAAGCTGAGCT[A>G]GAGCGCAAAAAGCAGCGCTTAGCACAGATAAGAGAAGAGAAGAAACGGAAGGAAGAGGAG-3'
Protein context (NP_001129028.1, residues 1-21): MSDKSDLKAE[Leu11=]ERKKQRLAQI

ClinVar aggregate classification (germline): Likely benign. Review status: criteria provided, single submitter (1 of 4 stars). 2 submissions from 2 submitters: Likely benign (1). 1 of the submissions does not count toward it. Last evaluated 2025-12-15.

Conditions:
DYNC1I1-related disorder. Also called: DYNC1I1-related condition.

Allele frequency attached by ClinVar (database versions not stated): TOPMed 0.00011; gnomAD exomes 0.00013 and 0.00017; gnomAD 0.00014; ESP Exome Variant Server 0.00015; ExAC 0.00025.
gnomAD v4.1: 267 of 1,602,766 alleles (0.017%); highest among the groups gnomAD compares: Non-Finnish European, 0.02%; no homozygotes.

Submissions (2):

Labcorp Genetics (formerly Invitae), Labcorp
Classification: Likely benign. Last evaluated: 2025-12-15. Review status: criteria provided, single submitter. Criteria: Invitae Variant Classification Sherloc (09022015). Collection method: clinical testing. Allele origin: germline.

PreventionGenetics, part of Exact Sciences
Classification: Likely benign for DYNC1I1-related condition. Last evaluated: 2019-09-19. Review status: no assertion criteria provided. Collection method: clinical testing. Allele origin: germline. Not counted in ClinVar's aggregate classification.
Comment: This variant is classified as likely benign based on ACMG/AMP sequence variant interpretation guidelines (Richards et al. 2015 PMID: 25741868, with internal and published modifications).